The following is an entry in ClinVar:

ClinVar aggregate classification (germline): Pathogenic (1 of 4 stars; one submission).

Conditions:
Familial cancer of breast. Also called: Hereditary breast cancer; BREAST CANCER, FAMILIAL; hereditary breast carcinoma. Identifiers: Orphanet 227535, MedGen C0346153, MONDO:0016419, OMIM 114480. Disease mechanism: loss of function.

Submission:

Myriad Genetics, Inc.
Classification: Pathogenic for Familial cancer of breast. Last evaluated: 2023-09-11. Review status: criteria provided, single submitter. Criteria: Myriad Autosomal Dominant, Autosomal Recessive and X-Linked Classification Criteria (2023). Collection method: clinical testing. Allele origin: unknown.
Comment: This variant is considered pathogenic. This variant creates a termination codon and is predicted to result in premature protein truncation.

NM_024675.4(PALB2):c.1582G>T (p.Glu528Ter)

Gene: PALB2 (partner and localizer of BRCA2; minus strand). Cytogenetic location: 16p12.2.
Variant type: single nucleotide variant.
Coding change: c.1582G>T on transcript NM_024675.4 (MANE Select); coding-DNA position 1582, G replaced by T.
Protein change: p.Glu528Ter; replaces glutamic acid 528 with a stop codon.
Molecular consequence: nonsense. On other transcripts: intron variant (3).
Genome position (GRCh38, 1-based): chr16:23,634,964, C>A on the plus strand (G>T on the coding strand, the complement: PALB2 is on the minus strand). VCF-style: chr16-23634964-C-A. GRCh37 (hg19) VCF-style: chr16-23646285-C-A.
Other names: c.1522G>T, p.Glu508Ter (NM_001407296.1); c.1582G>T, p.Glu528Ter (NM_001407297.1, NM_001407298.1, NM_001407299.1 and 3 more transcripts); c.697G>T, p.Glu233Ter (NM_001407304.1, NM_001407305.1, NM_001407306.1 and 5 more transcripts); c.49-5689G>T (NM_001407314.1); c.-104-4495G>T (NM_001407313.1, NM_001407312.1); short protein forms E233*, E508*, E528*.
Identifiers: ClinVar variation 2673870 (VCV002673870.1), dbSNP rs1966955447, ClinGen allele CA395130634.
Genomic context (GRCh38, chr16:23,634,964, plus strand): 5'-AGGTGACTTCTTCCTTGGACCTGTTAACAATCGACAGGCTAGAAGTTGGCAAAAGTGGTT[C>A]ACAATGATCTGATGCTGGGGTGCAGGCTGATTTTCTTTTTCCTGTGTATCTTCTACCAGG-3'